The following is an entry in ClinVar:

ClinVar aggregate classification (germline): Likely benign (1 of 4 stars; one submission).

Submission:

Women's Health and Genetics/Laboratory Corporation of America, LabCorp
Classification: Likely benign. Last evaluated: 2023-11-24. Review status: criteria provided, single submitter. Criteria: LabCorp Variant Classification Summary - May 2015. Collection method: clinical testing. Allele origin: germline.
Comment: Variant summary: ACTG1 c.803-15G>T alters a non-conserved nucleotide located at a position not widely known to affect splicing. Consensus agreement among computation tools predict no significant impact on normal splicing. However, these predictions have yet to be confirmed by functional studies. The variant allele was found at a frequency of 4e-06 in 251320 control chromosomes. The available data on variant occurrences in the general population are insufficient to allow any conclusion about variant significance. To our knowledge, no occurrence of c.803-15G>T in individuals affected with ACTG1-Related Disorders and no experimental evidence demonstrating its impact on protein function have been reported. No submitters have cited clinical-significance assessments for this variant to ClinVar after 2014. Based on the evidence outlined above, the variant was classified as likely benign.

NM_001614.5(ACTG1):c.803-15G>T

Gene: ACTG1 (actin gamma 1; minus strand). Cytogenetic location: 17q25.3.
Variant type: single nucleotide variant.
Coding change: c.803-15G>T on transcript NM_001614.5 (MANE Select); 15 bases into the intron before coding-DNA position 803, G replaced by T.
Molecular consequence: intron variant.
Genome position (GRCh38, 1-based): chr17:81,511,123, C>A on the plus strand (G>T on the coding strand, the complement: ACTG1 is on the minus strand). VCF-style: chr17-81511123-C-A. GRCh37 (hg19) VCF-style: chr17-79478149-C-A.
Other names: c.803-15G>T (NM_001199954.3).
Identifiers: ClinVar variation 2682265 (VCV002682265.1), dbSNP rs1555666546, ClinGen allele CA628022531.